The following is an entry in ClinVar:

NM_003661.4(APOL1):c.764G>A (p.Arg255Lys)

Gene: APOL1 (apolipoprotein L1; plus strand). Cytogenetic location: 22q12.3.
Variant type: single nucleotide variant.
Coding change: c.764G>A on transcript NM_003661.4 (MANE Select); coding-DNA position 764, G replaced by A.
Protein change: p.Arg255Lys; replaces arginine 255 with lysine.
Molecular consequence: missense variant.
Genome position (GRCh38, 1-based): chr22:36,265,600, G>A. VCF-style: chr22-36265600-G-A. GRCh37 (hg19) VCF-style: chr22-36661646-G-A.
Other names: c.764G>A, p.Arg255Lys (NM_001136540.2); c.710G>A, p.Arg237Lys (NM_001136541.2, NM_001362927.2); c.812G>A, p.Arg271Lys (NM_145343.3); short protein forms R237K, R255K, R271K.
Identifiers: ClinVar variation 1170850 (VCV001170850.18), dbSNP rs136176, ClinGen allele CA10208746.

ClinVar aggregate classification (germline): Benign. Review status: criteria provided, multiple submitters, no conflicts (2 of 4 stars). 6 submissions from 6 submitters: Benign (5). 1 of the submissions does not count toward it. Last evaluated 2026-02-04.

Conditions:
APOL1-related disorder. Also called: APOL1-related condition.

Allele frequency attached by ClinVar (database versions not stated): gnomAD exomes 0.81661 and 0.83448; ExAC 0.83486; ESP Exome Variant Server 0.84899; gnomAD 0.85450 and 0.85676; 1000 Genomes Project 30x 0.86665; TOPMed 0.86135; 1000 Genomes Project 0.86262.
gnomAD v4.1: 1,309,636 of 1,596,678 alleles (82%); highest among the groups gnomAD compares: African/African-American, 95%; 538,610 homozygotes.

Submissions (6):

Labcorp Genetics (formerly Invitae), Labcorp
Classification: Benign. Last evaluated: 2026-02-04. Review status: criteria provided, single submitter. Criteria: Invitae Variant Classification Sherloc (09022015). Collection method: clinical testing. Allele origin: germline.

Blueprint Genetics
Classification: Benign. Last evaluated: 2024-11-28. Review status: criteria provided, single submitter. Criteria: ACMG Guidelines, 2015. Collection method: clinical testing. Allele origin: germline.

Unidad de Genómica Garrahan, Hospital de Pediatría Garrahan
Classification: Benign. Last evaluated: 2024-07-15. Review status: criteria provided, single submitter. Criteria: ACMG Guidelines, 2015. Collection method: clinical testing. Allele origin: germline. Affected: no. Observed: 90 variant alleles.
Comment: This variant is classified as Benign based on local population frequency. This variant was detected in 97% of patients studied in a panel designed for Epileptic and Developmental Encephalopathy and Progressive Myoclonus Epilepsy. Number of patients: 90. Only high quality variants are reported.

GeneDx
Classification: Benign. Last evaluated: 2018-11-10. Review status: criteria provided, single submitter. Criteria: GeneDx Variant Classification Process June 2021. Collection method: clinical testing. Allele origin: germline. Affected: yes.

Breakthrough Genomics
Classification: Benign. Review status: criteria provided, single submitter. Criteria: ACMG Guidelines, 2015. Collection method: not provided. Allele origin: germline. Inheritance: Unknown mechanism. Affected: yes.

PreventionGenetics, part of Exact Sciences
Classification: Benign for APOL1-related condition. Last evaluated: 2023-06-05. Review status: no assertion criteria provided. Collection method: clinical testing. Allele origin: germline. Not counted in ClinVar's aggregate classification.
Comment: This variant is classified as benign based on ACMG/AMP sequence variant interpretation guidelines (Richards et al. 2015 PMID: 25741868, with internal and published modifications).